The following is an entry in ClinVar:

NM_015215.4(CAMTA1):c.*8C>T

Gene: CAMTA1 (calmodulin binding transcription activator 1; plus strand). Cytogenetic location: 1p36.23.
Variant type: single nucleotide variant.
Coding change: c.*8C>T on transcript NM_015215.4 (MANE Select); 8 bases downstream of the stop codon, C replaced by T.
Molecular consequence: 3 prime UTR variant. On other transcripts: nonsense (10).
Genome position (GRCh38, 1-based): chr1:7,766,499, C>T. VCF-style: chr1-7766499-C-T. GRCh37 (hg19) VCF-style: chr1-7826559-C-T.
Other names: c.*8C>T (NM_001349608.2, NM_001349610.2, NM_001349612.2 and 7 more transcripts); c.4681C>T, p.Gln1561Ter (NM_001349609.2); c.2128C>T, p.Gln710Ter (NM_001349613.1); c.2092C>T, p.Gln698Ter (NM_001349614.1, NM_001349615.2); c.1753C>T, p.Gln585Ter (NM_001349621.1, NM_001349622.2); c.1732C>T, p.Gln578Ter (NM_001349623.1, NM_001349624.3); c.4660C>T, p.Gln1554Ter (NM_001410737.1); c.4588C>T, p.Gln1530Ter (NM_001410738.1); short protein forms Q1530*, Q1554*, Q1561*, Q578*, Q585*, Q698*, Q710*.
Identifiers: ClinVar variation 3779477 (VCV003779477.3).

ClinVar aggregate classification (germline): Conflicting classifications of pathogenicity. Review status: criteria provided, conflicting classifications (1 of 4 stars). 3 submissions from 3 submitters: Uncertain significance (1); Likely benign (2). Last evaluated 2026-09-01.

Conditions:
Cerebellar dysfunction with variable cognitive and behavioral abnormalities (CECBA). Also called: Nonprogressive cerebellar atxia with intellectual disability. Identifiers: Orphanet 314647, MedGen C3553661, MONDO:0013886, OMIM 614756.

gnomAD v4.1: 291 of 1,613,480 alleles (0.018%); highest among the groups gnomAD compares: Non-Finnish European, 0.023%; no homozygotes.

Submissions (3):

CeGaT Center for Human Genetics Tuebingen
Classification: Likely benign. Last evaluated: 2026-09-01. Review status: criteria provided, single submitter. Criteria: CeGaT Center For Human Genetics Tuebingen Variant Classification Criteria Version 2. Collection method: clinical testing. Allele origin: germline. Affected: yes. Observed: 1 variant allele.
Comment: CAMTA1: BS2

Laboratory of Genetics, Children's Clinical University Hospital Latvia
Classification: Likely benign. Last evaluated: 2025-02-16. Review status: criteria provided, single submitter. Criteria: ACMG Guidelines, 2015. Collection method: clinical testing. Allele origin: germline. Affected: yes.

Department of Pathology and Laboratory Medicine, Sinai Health System
Classification: Uncertain significance for Cerebellar dysfunction with variable cognitive and behavioral abnormalities. Last evaluated: 2023-02-17. Review status: criteria provided, single submitter. Criteria: ACMG Guidelines, 2015. Collection method: research. Allele origin: germline.